The following is an entry in ClinVar:

NM_178014.4(TUBB):c.944_945delinsTC (p.Ala315Val)

Gene: TUBB (tubulin beta class I; plus strand). Cytogenetic location: 6p21.33.
Variant type: Indel.
Coding change: c.944_945delinsTC on transcript NM_178014.4 (MANE Select); coding-DNA positions 944 to 945, CT replaced by TC.
Protein change: p.Ala315Val; replaces alanine 315 with valine.
Molecular consequence: missense variant. On other transcripts: non-coding transcript variant (1), intron variant (1).
Genome position (GRCh38, 1-based): chr6:30,724,006-30,724,007, CT replaced by TC. VCF-style: chr6-30724006-CT-TC. GRCh37 (hg19) VCF-style: chr6-30691783-CT-TC.
Other names: c.1004_1005delinsTC, p.Ala335Val (NM_001293212.2); c.812_813delinsTC, p.Ala271Val (NM_001293214.2); c.728_729delinsTC, p.Ala243Val (NM_001293215.2, NM_001293216.2); c.370-32_370-31delinsTC (NM_001293213.2); short protein forms A243V, A271V, A315V, A335V.
Identifiers: ClinVar variation 3343587 (VCV003343587.1).

ClinVar aggregate classification (germline): Uncertain significance (1 of 4 stars; one submission).

Submission:

GeneDx
Classification: Uncertain significance. Last evaluated: 2023-05-17. Review status: criteria provided, single submitter. Criteria: GeneDx Variant Classification Process June 2021. Collection method: clinical testing. Allele origin: germline. Affected: yes.
Comment: Not observed at significant frequency in large population cohorts (gnomAD); In silico analysis supports a deleterious effect on protein structure/function; Has not been previously published as pathogenic or benign to our knowledge